The following is an entry in ClinVar:

NM_012072.4(CD93):c.1627G>A (p.Val543Ile)

Gene: CD93 (CD93 molecule; minus strand). Cytogenetic location: 20p11.21.
Variant type: single nucleotide variant.
Coding change: c.1627G>A on transcript NM_012072.4 (MANE Select); coding-DNA position 1627, G replaced by A.
Protein change: p.Val543Ile; replaces valine 543 with isoleucine.
Molecular consequence: missense variant.
Genome position (GRCh38, 1-based): chr20:23,084,566, C>T on the plus strand (G>A on the coding strand, the complement: CD93 is on the minus strand). VCF-style: chr20-23084566-C-T. GRCh37 (hg19) VCF-style: chr20-23065203-C-T.
Other names: short protein forms V543I.
Identifiers: ClinVar variation 3051666 (VCV003051666.3), dbSNP rs150881468, ClinGen allele CA9787956.

ClinVar aggregate classification (germline): Likely benign. Review status: criteria provided, single submitter (1 of 4 stars). 2 submissions from 2 submitters: Likely benign (1). 1 of the submissions does not count toward it. Last evaluated 2024-11-20.

Conditions:
CD93-related disorder. Also called: CD93-related condition.

Allele frequency attached by ClinVar (database versions not stated): ExAC 0.00039; ESP Exome Variant Server 0.00077; gnomAD 0.00078; 1000 Genomes Project 0.00080; 1000 Genomes Project 30x 0.00094.
gnomAD v4.1: 339 of 1,612,406 alleles (0.021%); highest among the groups gnomAD compares: African/African-American, 0.3%; 1 homozygote.

Submissions (2):

Blueprint Genetics
Classification: Likely benign. Last evaluated: 2024-11-20. Review status: criteria provided, single submitter. Criteria: ACMG Guidelines, 2015. Collection method: clinical testing. Allele origin: germline.

PreventionGenetics, part of Exact Sciences
Classification: Likely benign for CD93-related condition. Last evaluated: 2023-02-28. Review status: no assertion criteria provided. Collection method: clinical testing. Allele origin: germline. Not counted in ClinVar's aggregate classification.
Comment: This variant is classified as likely benign based on ACMG/AMP sequence variant interpretation guidelines (Richards et al. 2015 PMID: 25741868, with internal and published modifications).